The following is an entry in ClinVar:

NM_006302.3(MOGS):c.119C>T (p.Thr40Met)

Genes: MOGS (mannosyl-oligosaccharide glucosidase; minus strand), LOC129934128 (ATAC-STARR-seq lymphoblastoid silent region 11664; plus strand). Cytogenetic location: 2p13.1.
Variant type: single nucleotide variant.
Coding change: c.119C>T on transcript NM_006302.3 (MANE Select); coding-DNA position 119, C replaced by T.
Protein change: p.Thr40Met; replaces threonine 40 with methionine.
Molecular consequence: missense variant. On other transcripts: intron variant (1).
Genome position (GRCh38, 1-based): chr2:74,465,129, G>A on the plus strand (C>T on the coding strand, the complement: MOGS is on the minus strand). VCF-style: chr2-74465129-G-A. GRCh37 (hg19) VCF-style: chr2-74692256-G-A.
Other names: c.-58-142C>T (NM_001146158.2); short protein forms T40M.
Identifiers: ClinVar variation 943076 (VCV000943076.7), dbSNP rs769430992, ClinGen allele CA1725111.

ClinVar aggregate classification (germline): Uncertain significance (1 of 4 stars; one submission).

Conditions:
MOGS-congenital disorder of glycosylation. Also called: GLUCOSIDASE I DEFICIENCY; CDG IIb; MOGS-CDG; CDG 2B. Identifiers: Orphanet 79330, MedGen C1853736, MONDO:0011629, OMIM 606056.

Allele frequency attached by ClinVar (database versions not stated): ExAC below 0.00001; gnomAD 0.00001 and 0.00005; TOPMed 0.00002; gnomAD exomes 0.00010; 1000 Genomes Project 30x 0.00016.
gnomAD v4.1: 119 of 1,535,636 alleles (0.0077%); highest among the groups gnomAD compares: East Asian, 0.29%; 2 homozygotes.

Submission:

Labcorp Genetics (formerly Invitae), Labcorp
Classification: Uncertain significance for MOGS-congenital disorder of glycosylation. Last evaluated: 2021-08-24. Review status: criteria provided, single submitter. Criteria: Invitae Variant Classification Sherloc (09022015). Collection method: clinical testing. Allele origin: germline.
Comment: This sequence change replaces threonine with methionine at codon 40 of the MOGS protein (p.Thr40Met). The threonine residue is weakly conserved and there is a moderate physicochemical difference between threonine and methionine. The frequency data for this variant in the population databases is considered unreliable, as metrics indicate poor data quality at this position in the ExAC database. This variant has not been reported in the literature in individuals affected with MOGS-related conditions. Algorithms developed to predict the effect of missense changes on protein structure and function (SIFT, PolyPhen-2, Align-GVGD) all suggest that this variant is likely to be tolerated. In summary, the available evidence is currently insufficient to determine the role of this variant in disease. Therefore, it has been classified as a Variant of Uncertain Significance.